The following is an entry in ClinVar:

NM_001267550.2(TTN):c.13192C>T (p.Gln4398Ter)

Gene: TTN (titin; minus strand). Cytogenetic location: 2q31.2.
Variant type: single nucleotide variant.
Coding change: c.13192C>T on transcript NM_001267550.2 (MANE Select); coding-DNA position 13192, C replaced by T.
Protein change: p.Gln4398Ter; replaces glutamine 4398 with a stop codon.
Molecular consequence: nonsense. On other transcripts: intron variant (1).
Genome position (GRCh38, 1-based): chr2:178,740,041, G>A on the plus strand (C>T on the coding strand, the complement: TTN is on the minus strand). VCF-style: chr2-178740041-G-A. GRCh37 (hg19) VCF-style: chr2-179604768-G-A.
Other names: c.12241C>T, p.Gln4081Ter (NM_001256850.1); c.12103C>T, p.Gln4035Ter (NM_003319.4); c.12478C>T, p.Gln4160Ter (NM_133432.3); c.12679C>T, p.Gln4227Ter (NM_133437.4); c.10361-1681C>T (NM_133378.4); short protein forms Q4035*, Q4160*, Q4081*, Q4227*, Q4398*.
Identifiers: ClinVar variation 1750211 (VCV001750211.2), dbSNP rs868502763, ClinGen allele CA60983858.

ClinVar aggregate classification (germline): Likely pathogenic (1 of 4 stars; one submission).

Conditions:
Cardiovascular phenotype. Identifiers: MedGen CN230736.

Submission:

Ambry Genetics
Classification: Likely pathogenic for Cardiovascular phenotype. Last evaluated: 2020-07-28. Review status: criteria provided, single submitter. Criteria: Ambry Variant Classification Scheme 2023. Collection method: clinical testing. Allele origin: germline.
Comment: The p.Q4035* variant (also known as c.12103C>T), located in coding exon 44 of the TTN gene, results from a C to T substitution at nucleotide position 12103. This changes the amino acid from a glutamine to a stop codon within coding exon 44. This exon is located in the I-band region of the N2-B isoform of the titin protein and is constitutively expressed in TTN transcripts (percent spliced in or PSI 100%). This alteration is expected to result in loss of function by premature protein truncation or nonsense-mediated mRNA decay. While truncating variants in TTN are present in 1-3% of the general population, truncating variants in the A-band are the most common cause of dilated cardiomyopathy (DCM) (Herman DS et al. N. Engl. J. Med., 2012 Feb;366:619-28; Roberts AM et al. Sci Transl Med, 2015 Jan;7:270ra6). TTN truncating variants encoded in constitutive exons (PSI >90%) have been found to be significantly associated with DCM regardless of their position in titin (Schafer S et al. Nat. Genet., 2017 01;49:46-53). As such, this alteration is classified as likely pathogenic.